The following is an entry in ClinVar:

ClinVar aggregate classification (germline): Pathogenic (1 of 4 stars; one submission).

Conditions:
DiGeorge syndrome. Also called: THIRD AND FOURTH PHARYNGEAL POUCH SYNDROME; Catch22. Identifiers: Orphanet 567, MedGen C0012236, MONDO:0008564, OMIM 188400.

Submission:

Labcorp Genetics (formerly Invitae), Labcorp
Classification: Pathogenic for DiGeorge sequence. Last evaluated: 2019-12-01. Review status: criteria provided, single submitter. Criteria: Invitae Variant Classification Sherloc (09022015). Collection method: clinical testing. Allele origin: germline.
Comment: A gross deletion of the genomic region encompassing the full coding sequence of the TBX1 gene has been identified. The boundaries of this event are unknown as the deletion extends beyond the assayed region for this gene and therefore may encompass additional genes. Contiguous gene deletions that include TBX1 have been observed in multiple individuals with congenital heart disease, DiGeorge syndrome, and pulmonary atresia (PMID: 25205790, 25516202, 24826987). Loss-of-function variants in TBX1 are known to be pathogenic (PMID: 11239417, 11242049). For these reasons, this variant has been classified as Pathogenic.

Literature cited by the submitters: PubMed 25516202; PubMed 24826987; PubMed 25205790.

NC_000022.10:g.(?_18910310)_(19770565_?)del

Genes: GSC2 (goosecoid homeobox 2; minus strand), TSSK2 (testis specific serine kinase 2; plus strand), HIRA (histone cell cycle regulator; minus strand), SLC25A1 (solute carrier family 25 member 1; minus strand), SEPTIN5 (septin 5; plus strand) and 11 more. Cytogenetic location: 22q11.21.
Variant type: Deletion.
Identifiers: ClinVar variation 526039 (VCV000526039.2).